The following is an entry in ClinVar:

ClinVar aggregate classification (germline): Conflicting classifications of pathogenicity. Review status: criteria provided, conflicting classifications (1 of 4 stars). 3 submissions from 3 submitters: Uncertain significance (2); Likely benign (1). Last evaluated 2024-12-23.

Conditions:
Epidermolysis bullosa simplex with nail dystrophy (EBS5D). Identifiers: MedGen C4225309, MONDO:0014661, OMIM 616487.
Epidermolysis bullosa simplex 5B, with muscular dystrophy (EBS5B). Also called: EPIDERMOLYSIS BULLOSA SIMPLEX AND LIMB-GIRDLE MUSCULAR DYSTROPHY; Epidermolysis bullosa simplex with muscular dystrophy. Identifiers: Orphanet 257, MedGen C2931072, MONDO:0009181, OMIM 226670.
Epidermolysis bullosa simplex, Ogna type (EBS5A). Also called: Pidermolysis bullosa simplex 5A, Ogna type; EPIDERMOLYSIS BULLOSA SIMPLEX 5A, OGNA TYPE. Identifiers: Orphanet 79401, MedGen C0432317, MONDO:0007555, OMIM 131950.
Autosomal recessive limb-girdle muscular dystrophy type 2Q (LGMDR17). Also called: MUSCULAR DYSTROPHY, LIMB-GIRDLE, AUTOSOMAL RECESSIVE 17. Identifiers: Orphanet 254361, MedGen C3150989, MONDO:0013390, OMIM 613723.
Epidermolysis bullosa simplex 5C, with pyloric atresia (EBS5C). Also called: PLEC-Related Epidermolysis Bullosa with Pyloric Atresia; Epidermolysis bullosa simplex with pyloric atresia; PLEC1-Related Epidermolysis Bullosa with Pyloric Atresia. Identifiers: Orphanet 158684, MedGen C2677349, MONDO:0012807, OMIM 612138.
Inborn genetic diseases. Identifiers: MedGen C0950123, MeSH D030342.

Allele frequency attached by ClinVar (database versions not stated): TOPMed 0.00001; gnomAD exomes 0.00008; ExAC 0.00017.
gnomAD v4.1: 17 of 1,581,210 alleles (0.0011%); highest among the groups gnomAD compares: Admixed American, 0.027%; no homozygotes.

Submissions (3):

Ambry Genetics
Classification: Uncertain significance for Inborn genetic diseases. Last evaluated: 2024-12-23. Review status: criteria provided, single submitter. Criteria: Ambry Variant Classification Scheme 2023. Collection method: clinical testing. Allele origin: germline.

Labcorp Genetics (formerly Invitae), Labcorp
Classification: Uncertain significance for Autosomal recessive limb-girdle muscular dystrophy type 2Q; Epidermolysis bullosa simplex, Ogna type; Epidermolysis bullosa simplex with nail dystrophy; Epidermolysis bullosa simplex 5C, with pyloric atresia; Epidermolysis bullosa simplex 5B, with muscular dystrophy. Last evaluated: 2024-07-25. Review status: criteria provided, single submitter. Criteria: Invitae Variant Classification Sherloc (09022015). Collection method: clinical testing. Allele origin: germline.
Comment: This sequence change replaces alanine, which is neutral and non-polar, with threonine, which is neutral and polar, at codon 1687 of the PLEC protein (p.Ala1687Thr). This variant is present in population databases (rs781997708, gnomAD 0.05%). This variant has not been reported in the literature in individuals affected with PLEC-related conditions. ClinVar contains an entry for this variant (Variation ID: 385087). Experimental studies and prediction algorithms are not available or were not evaluated, and the functional significance of this variant is currently unknown. In summary, the available evidence is currently insufficient to determine the role of this variant in disease. Therefore, it has been classified as a Variant of Uncertain Significance.

GeneDx
Classification: Likely benign. Last evaluated: 2016-03-31. Review status: criteria provided, single submitter. Criteria: GeneDx Variant Classification (06012015). Collection method: clinical testing. Allele origin: germline. Affected: yes.
Comment: This variant is considered likely benign or benign based on one or more of the following criteria: it is a conservative change, it occurs at a poorly conserved position in the protein, it is predicted to be benign by multiple in silico algorithms, and/or has population frequency not consistent with disease.

NM_201384.3(PLEC):c.4978G>A (p.Ala1660Thr)

Gene: PLEC (plectin; minus strand). Cytogenetic location: 8q24.3.
Variant type: single nucleotide variant.
Coding change: c.4978G>A on transcript NM_201384.3 (MANE Select); coding-DNA position 4978, G replaced by A.
Protein change: p.Ala1660Thr; replaces alanine 1660 with threonine.
Molecular consequence: missense variant.
Genome position (GRCh38, 1-based): chr8:143,924,951, C>T on the plus strand (G>A on the coding strand, the complement: PLEC is on the minus strand). VCF-style: chr8-143924951-C-T. GRCh37 (hg19) VCF-style: chr8-144999119-C-T.
Other names: c.5059G>A, p.Ala1687Thr (NM_000445.5); c.4936G>A, p.Ala1646Thr (NM_201378.4); c.4912G>A, p.Ala1638Thr (NM_201379.3); c.5389G>A, p.Ala1797Thr (NM_201380.4); c.4882G>A, p.Ala1628Thr (NM_201381.3); c.4978G>A, p.Ala1660Thr (NM_201382.4); c.4990G>A, p.Ala1664Thr (NM_201383.3); short protein forms A1628T, A1638T, A1646T, A1660T, A1664T, A1687T, A1797T.
Identifiers: ClinVar variation 385087 (VCV000385087.10), dbSNP rs781997708, ClinGen allele CA4926478.
Genomic context (GRCh38, chr8:143,924,951, plus strand): 5'-CCGCCTTGCCGCGCCGCCGCGCCTCGCGCTCCGCCTCCTCCTTCTGCTTCTCAGCCTCGG[C>T]CTGCGCCAGGCTCTTCTGCTGCGCCACCTCCTCCGCCTGCAGCCGCAGCCGTAGCGCCTC-3'
Protein context (NP_958786.1, residues 1650-1670): EVAQQKSLAQ[Ala1660Thr]EAEKQKEEAE